The following is an entry in ClinVar:

NM_003803.4(MYOM1):c.1223A>G (p.Asp408Gly)

Gene: MYOM1 (myomesin 1; minus strand). Cytogenetic location: 18p11.31.
Variant type: single nucleotide variant.
Coding change: c.1223A>G on transcript NM_003803.4 (MANE Select); coding-DNA position 1223, A replaced by G.
Protein change: p.Asp408Gly; replaces aspartic acid 408 with glycine.
Molecular consequence: missense variant.
Genome position (GRCh38, 1-based): chr18:3,168,933, T>C on the plus strand (A>G on the coding strand, the complement: MYOM1 is on the minus strand). VCF-style: chr18-3168933-T-C. GRCh37 (hg19) VCF-style: chr18-3168931-T-C.
Other names: c.1223A>G, p.Asp408Gly (NM_019856.2); short protein forms D408G.
Identifiers: ClinVar variation 1753554 (VCV001753554.4), dbSNP rs1422586387, ClinGen allele CA401715358.

ClinVar aggregate classification (germline): Uncertain significance. Review status: criteria provided, multiple submitters, no conflicts (2 of 4 stars). 2 submissions from 2 submitters: Uncertain significance (2). Last evaluated 2024-11-16.

Conditions:
Hypertrophic cardiomyopathy. Also called: HYPERTROPHIC MYOCARDIOPATHY. Identifiers: Orphanet 217569, MedGen C0007194, MeSH D002312, MONDO:0005045, HP:0001639.

Submissions (2):

Labcorp Genetics (formerly Invitae), Labcorp
Classification: Uncertain significance for Hypertrophic cardiomyopathy. Last evaluated: 2024-11-16. Review status: criteria provided, single submitter. Criteria: Invitae Variant Classification Sherloc (09022015). Collection method: clinical testing. Allele origin: germline.
Comment: This sequence change replaces aspartic acid, which is acidic and polar, with glycine, which is neutral and non-polar, at codon 408 of the MYOM1 protein (p.Asp408Gly). This variant is not present in population databases (gnomAD no frequency). This variant has not been reported in the literature in individuals affected with MYOM1-related conditions. ClinVar contains an entry for this variant (Variation ID: 1753554). Invitae Evidence Modeling of protein sequence and biophysical properties (such as structural, functional, and spatial information, amino acid conservation, physicochemical variation, residue mobility, and thermodynamic stability) indicates that this missense variant is not expected to disrupt MYOM1 protein function with a negative predictive value of 80%. In summary, the available evidence is currently insufficient to determine the role of this variant in disease. Therefore, it has been classified as a Variant of Uncertain Significance.

Ambry Genetics
Classification: Uncertain significance. Last evaluated: 2021-09-26. Review status: criteria provided, single submitter. Criteria: Ambry Variant Classification Scheme 2023. Collection method: clinical testing. Allele origin: germline.
Comment: The p.D408G variant (also known as c.1223A>G), located in coding exon 8 of the MYOM1 gene, results from an A to G substitution at nucleotide position 1223. The aspartic acid at codon 408 is replaced by glycine, an amino acid with similar properties. This amino acid position is conserved. In addition, this alteration is predicted to be tolerated by in silico analysis. Since supporting evidence is limited at this time, the clinical significance of this alteration remains unclear.